The following is an entry in ClinVar:

ClinVar aggregate classification (germline): Pathogenic/Likely pathogenic. Review status: criteria provided, multiple submitters, no conflicts (2 of 4 stars). 4 submissions from 4 submitters: Pathogenic (2); Likely pathogenic (1). 1 of the submissions does not count toward it. Last evaluated 2024-12-10.

Conditions:
Bardet-Biedl syndrome 10 (BBS10). Identifiers: Orphanet 110, MedGen C1859568, MONDO:0014438, OMIM 615987.
Bardet-Biedl syndrome (BBS). Identifiers: Orphanet 110, MedGen C0752166, MONDO:0015229.

Submissions (4):

Women's Health and Genetics/Laboratory Corporation of America, LabCorp
Classification: Pathogenic for Bardet-Biedl syndrome. Last evaluated: 2024-12-10. Review status: criteria provided, single submitter. Criteria: LabCorp Variant Classification Summary - May 2015. Collection method: clinical testing. Allele origin: germline.
Comment: Variant summary: BBS10 c.365dupA (p.Asn122LysfsX30) results in a premature termination codon, predicted to cause a truncation removing most of the protein. Downstream truncating variants have been classified as pathogenic. The variant allele was found at a frequency of 4e-06 in 250734 control chromosomes (gnomAD). c.365dupA has been reported in the literature in an individual affected with Bardet-Biedl Syndrome (Heo_2024). The following publication has been ascertained in the context of this evaluation (PMID: 39434570). ClinVar contains an entry for this variant (Variation ID: 371651). Based on the evidence outlined above, the variant was classified as pathogenic.

Labcorp Genetics (formerly Invitae), Labcorp
Classification: Pathogenic for Bardet-Biedl syndrome. Last evaluated: 2024-02-19. Review status: criteria provided, single submitter. Criteria: Invitae Variant Classification Sherloc (09022015). Collection method: clinical testing. Allele origin: germline.
Comment: This sequence change creates a premature translational stop signal (p.Asn122Lysfs*30) in the BBS10 gene. While this is not anticipated to result in nonsense mediated decay, it is expected to disrupt the last 602 amino acid(s) of the BBS10 protein. This variant is present in population databases (rs774095109, gnomAD 0.003%). This variant has not been reported in the literature in individuals affected with BBS10-related conditions. ClinVar contains an entry for this variant (Variation ID: 371651). This variant disrupts a region of the BBS10 protein in which other variant(s) (p.Val707*) have been determined to be pathogenic (PMID: 20472660, 22773737, 25982971, 27486776). This suggests that this is a clinically significant region of the protein, and that variants that disrupt it are likely to be disease-causing. For these reasons, this variant has been classified as Pathogenic.

3billion
Classification: Likely pathogenic for Bardet-Biedl syndrome 10. Last evaluated: 2023-11-21. Review status: criteria provided, single submitter. Criteria: ACMG Guidelines, 2015. Collection method: clinical testing. Allele origin: germline. Affected: yes.
Comment: The variant is observed at an extremely low frequency in the gnomAD v2.1.1 dataset (total allele frequency: <0.001%). Predicted Consequence/Location: Frameshift: predicted to result in a loss or disruption of normal protein function through protein truncation. The predicted truncated protein may be shortened by more than 10%. The variant has been reported at least twice as pathogenic without evidence for the classification (ClinVar ID: VCV000371651 /3billion dataset). Therefore, this variant is classified as Likely pathogenic according to the recommendation of ACMG/AMP guideline.

Counsyl
Classification: Likely pathogenic for Bardet-Biedl syndrome 10. Last evaluated: 2016-11-07. Review status: no assertion criteria provided. Collection method: clinical testing. Allele origin: unknown. Not counted in ClinVar's aggregate classification.

Literature cited by the submitters: PubMed 39434570 (cited by Women's Health and Genetics/Laboratory Corporation of America, LabCorp); PubMed 20472660 (cited by Labcorp Genetics (formerly Invitae), Labcorp); PubMed 22773737 (cited by Labcorp Genetics (formerly Invitae), Labcorp); PubMed 25982971 (cited by Labcorp Genetics (formerly Invitae), Labcorp); PubMed 27486776 (cited by Labcorp Genetics (formerly Invitae), Labcorp).

NM_024685.4(BBS10):c.365dup (p.Asn122fs)

Gene: BBS10 (Bardet-Biedl syndrome 10; minus strand). Cytogenetic location: 12q21.2.
Variant type: Duplication.
Coding change: c.365dup on transcript NM_024685.4 (MANE Select); coding-DNA position 365, one base duplicated (A; older notation c.365dupA).
Protein change: p.Asn122fs; shifts the reading frame from asparagine 122.
Molecular consequence: frameshift variant.
Genome position (GRCh38, 1-based): chr12:76,347,620, T duplicated on the plus strand (A on the coding strand, the reverse complement: BBS10 is on the minus strand); the first of 5 consecutive T bases (chr12:76,347,620-76,347,624); duplicating any one gives the same sequence. VCF-style (leftmost placement, unchanged base first): chr12-76347619-A-AT. GRCh37 (hg19) VCF-style: chr12-76741399-A-AT.
Other names: c.365dup, p.Asn122fs (LRG_1255t1); c.365dupA (NM_024685.4); short protein forms N122fs.
Identifiers: ClinVar variation 371651 (VCV000371651.14), dbSNP rs774095109, ClinGen allele CA6694366.